The following is an entry in ClinVar:

NM_182548.4(LHFPL5):c.144C>T (p.Tyr48=)

Gene: LHFPL5 (LHFPL tetraspan subfamily member 5; plus strand). Cytogenetic location: 6p21.31.
Variant type: single nucleotide variant.
Coding change: c.144C>T on transcript NM_182548.4 (MANE Select); coding-DNA position 144, C replaced by T.
Protein change: p.Tyr48=; no amino-acid change (tyrosine 48 retained).
Molecular consequence: synonymous variant.
Genome position (GRCh38, 1-based): chr6:35,805,814, C>T. VCF-style: chr6-35805814-C-T. GRCh37 (hg19) VCF-style: chr6-35773591-C-T.
Identifiers: ClinVar variation 3052657 (VCV003052657.2), dbSNP rs1581967353, ClinGen allele CA450125577.

ClinVar aggregate classification (germline): Likely benign (0 of 4 stars; one submission).

Conditions:
LHFPL5-related disorder. Also called: LHFPL5-related condition.

Allele frequency attached by ClinVar (database versions not stated): gnomAD exomes below 0.00001.
gnomAD v4.1: 5 of 1,614,256 alleles (0.00031%); highest among the groups gnomAD compares: Non-Finnish European, 0.00017%; no homozygotes.

Submission:

PreventionGenetics, part of Exact Sciences
Classification: Likely benign for LHFPL5-related condition. Last evaluated: 2019-08-14. Review status: no assertion criteria provided. Collection method: clinical testing. Allele origin: germline.
Comment: This variant is classified as likely benign based on ACMG/AMP sequence variant interpretation guidelines (Richards et al. 2015 PMID: 25741868, with internal and published modifications).